The following is an entry in ClinVar:

ClinVar aggregate classification (germline): Benign/Likely benign. Review status: criteria provided, multiple submitters, no conflicts (2 of 4 stars). 4 submissions from 4 submitters: Benign (1); Likely benign (3). Last evaluated 2024-09-24.

Conditions:
Juvenile polyposis syndrome (JPS). Identifiers: Orphanet 2929, MedGen C0345893, MONDO:0017380, OMIM 174900.
Hereditary cancer-predisposing syndrome. Also called: Hereditary Cancer Syndrome; Hereditary neoplastic syndrome; Neoplastic Syndromes, Hereditary; Tumor predisposition. Identifiers: Orphanet 140162, MedGen C0027672, MeSH D009386, MONDO:0015356.

Submissions (4):

Ambry Genetics
Classification: Likely benign for Hereditary cancer-predisposing syndrome. Last evaluated: 2024-09-24. Review status: criteria provided, single submitter. Criteria: Ambry Variant Classification Scheme 2023. Collection method: clinical testing. Allele origin: germline.

Labcorp Genetics (formerly Invitae), Labcorp
Classification: Likely benign for Juvenile polyposis syndrome. Last evaluated: 2024-09-15. Review status: criteria provided, single submitter. Criteria: Invitae Variant Classification Sherloc (09022015). Collection method: clinical testing. Allele origin: germline.

Myriad Genetics, Inc.
Classification: Benign for Juvenile polyposis syndrome. Last evaluated: 2024-07-31. Review status: criteria provided, single submitter. Criteria: Myriad Autosomal Dominant, Autosomal Recessive and X-Linked Classification Criteria (2023). Collection method: clinical testing. Allele origin: unknown.
Comment: This variant is considered benign. This variant is a silent/synonymous amino acid change and it is not expected to impact splicing.

Sema4
Classification: Likely benign for Hereditary cancer-predisposing syndrome. Last evaluated: 2022-01-31. Review status: criteria provided, single submitter. Criteria: Sema4 Curation Guidelines. Collection method: curation. Allele origin: germline.

NM_004329.3(BMPR1A):c.162T>C (p.Asp54=)

Gene: BMPR1A (bone morphogenetic protein receptor type 1A; plus strand). Cytogenetic location: 10q23.2.
Variant type: single nucleotide variant.
Coding change: c.162T>C on transcript NM_004329.3 (MANE Select); coding-DNA position 162, T replaced by C.
Protein change: p.Asp54=; no amino-acid change (aspartic acid 54 retained).
Molecular consequence: synonymous variant.
Genome position (GRCh38, 1-based): chr10:86,890,156, T>C. VCF-style: chr10-86890156-T-C. GRCh37 (hg19) VCF-style: chr10-88649913-T-C.
Identifiers: ClinVar variation 1148050 (VCV001148050.14), dbSNP rs2133395611, ClinGen allele CA470304553.